The following is an entry in ClinVar:

NM_006012.4(CLPP):c.737T>C (p.Val246Ala)

Gene: CLPP (caseinolytic mitochondrial matrix peptidase proteolytic subunit; plus strand). Cytogenetic location: 19p13.3.
Variant type: single nucleotide variant.
Coding change: c.737T>C on transcript NM_006012.4 (MANE Select); coding-DNA position 737, T replaced by C.
Protein change: p.Val246Ala; replaces valine 246 with alanine.
Molecular consequence: missense variant.
Genome position (GRCh38, 1-based): chr19:6,368,613, T>C. VCF-style: chr19-6368613-T-C. GRCh37 (hg19) VCF-style: chr19-6368624-T-C.
Other names: short protein forms V246A.
Identifiers: ClinVar variation 4798092 (VCV004798092.1).

ClinVar aggregate classification (germline): Uncertain significance (1 of 4 stars; one submission).

gnomAD v4.1: 2 of 1,613,240 alleles (0.00012%); highest among the groups gnomAD compares: African/African-American, 0.0013%; no homozygotes.

Submission:

Labcorp Genetics (formerly Invitae), Labcorp
Classification: Uncertain significance. Last evaluated: 2025-06-30. Review status: criteria provided, single submitter. Criteria: Invitae Variant Classification Sherloc (09022015). Collection method: clinical testing. Allele origin: germline.
Comment: This sequence change replaces valine, which is neutral and non-polar, with alanine, which is neutral and non-polar, at codon 246 of the CLPP protein (p.Val246Ala). This variant is not present in population databases (gnomAD no frequency). This variant has not been reported in the literature in individuals affected with CLPP-related conditions. Invitae Evidence Modeling of protein sequence and biophysical properties (such as structural, functional, and spatial information, amino acid conservation, physicochemical variation, residue mobility, and thermodynamic stability) indicates that this missense variant is not expected to disrupt CLPP protein function with a negative predictive value of 80%. In summary, the available evidence is currently insufficient to determine the role of this variant in disease. Therefore, it has been classified as a Variant of Uncertain Significance.